The following is an entry in ClinVar:

NM_001048174.2(MUTYH):c.1037C>G (p.Thr346Ser)

Gene: MUTYH (mutY DNA glycosylase; minus strand). Cytogenetic location: 1p34.1.
Variant type: single nucleotide variant.
Coding change: c.1037C>G on transcript NM_001048174.2 (MANE Select); coding-DNA position 1037, C replaced by G.
Protein change: p.Thr346Ser; replaces threonine 346 with serine.
Molecular consequence: missense variant. On other transcripts: non-coding transcript variant (7).
Genome position (GRCh38, 1-based): chr1:45,331,726, G>C on the plus strand (C>G on the coding strand, the complement: MUTYH is on the minus strand). VCF-style: chr1-45331726-G-C. GRCh37 (hg19) VCF-style: chr1-45797398-G-C.
Other names: c.1037C>G, p.Thr346Ser (NM_001293195.2, NM_001407070.1, NM_001407072.1 and 6 more transcripts); c.761C>G, p.Thr254Ser (NM_001293196.2, NM_001407091.1, NM_001293192.2); c.692C>G, p.Thr231Ser (NM_001350650.2, NM_001350651.2, NM_001407082.1); c.1070C>G, p.Thr357Ser (NM_001407069.1, NM_001407077.1, NM_001293191.2); c.1040C>G, p.Thr347Ser (NM_001407071.1, NM_001407086.1, NM_001407078.1 and 1 more transcripts); c.953C>G, p.Thr318Ser (NM_001407075.1); c.1079C>G, p.Thr360Ser (NM_001407085.1, NM_001407083.1); c.1058C>G, p.Thr353Ser (NM_001407087.1); and 5 more; short protein forms T318S, T254S, T357S, T360S, T371S, T374S, T332S, T346S.
Identifiers: ClinVar variation 4113034 (VCV004113034.1).

ClinVar aggregate classification (germline): Uncertain significance (1 of 4 stars; one submission).

Conditions:
Hereditary cancer-predisposing syndrome. Also called: Tumor predisposition; Neoplastic Syndromes, Hereditary; Hereditary neoplastic syndrome; Hereditary Cancer Syndrome. Identifiers: Orphanet 140162, MedGen C0027672, MeSH D009386, MONDO:0015356.

Submission:

Ambry Genetics
Classification: Uncertain significance for Hereditary cancer-predisposing syndrome. Last evaluated: 2025-08-27. Review status: criteria provided, single submitter. Criteria: Ambry Variant Classification Scheme 2023. Collection method: clinical testing. Allele origin: germline.
Comment: The p.T374S variant (also known as c.1121C>G), located in coding exon 12 of the MUTYH gene, results from a C to G substitution at nucleotide position 1121. The threonine at codon 374 is replaced by serine, an amino acid with similar properties. This amino acid position is conserved. In addition, this alteration is predicted to be tolerated by in silico analysis. Based on the available evidence, the clinical significance of this variant remains unclear.